The following is an entry in ClinVar:

ClinVar aggregate classification (germline): Likely benign (1 of 4 stars; one submission).

Conditions:
Polyps, multiple and recurrent inflammatory fibroid, gastrointestinal. Identifiers: MedGen C5193005, MONDO:0008285, OMIM 175510.

Submission:

Myriad Genetics, Inc.
Classification: Likely benign for Polyps, multiple and recurrent inflammatory fibroid, gastrointestinal. Last evaluated: 2026-06-15. Review status: criteria provided, single submitter. Criteria: Myriad Autosomal Dominant, Autosomal Recessive and X-Linked Classification Criteria (2023). Collection method: clinical testing. Allele origin: unknown.
Comment: This variant is considered likely benign. This variant has been observed at a population frequency that is significantly greater than expected given the associated disease prevalence and penetrance.

NM_006206.6(PDGFRA):c.1432_1436delinsCCCCA (p.Ser478_Arg479delinsProGln)

Gene: PDGFRA (platelet derived growth factor receptor alpha; plus strand). Cytogenetic location: 4q12.
Variant type: Indel.
Coding change: c.1432_1436delinsCCCCA on transcript NM_006206.6 (MANE Select); coding-DNA positions 1432 to 1436, TCCCG replaced by CCCCA.
Protein change: p.Ser478_Arg479delinsProGln.
Molecular consequence: missense variant.
Genome position (GRCh38, 1-based): chr4:54,273,604-54,273,608, TCCCG replaced by CCCCA. VCF-style: chr4-54273604-TCCCG-CCCCA. GRCh37 (hg19) VCF-style: chr4-55139771-TCCCG-CCCCA.
Other names: c.1432_1436delinsCCCCA, p.Ser478_Arg479delinsProGln (NM_001347827.2, NM_001347829.2); c.1507_1511delinsCCCCA, p.Ser503_Arg504delinsProGln (NM_001347828.2); c.1471_1475delinsCCCCA, p.Ser491_Arg492delinsProGln (NM_001347830.2).
Identifiers: ClinVar variation 4875896 (VCV004875896.1).
Genomic context (GRCh38, chr4:54,273,604, plus strand): 5'-AATGAAACTTCCTGGACTATTTTGGCCAACAATGTCTCAAACATCATCACGGAGATCCAC[TCCCG>CCCCA]AGACAGGAGTACCGTGGAGGGCCGTGTGACTTTCGCCAAAGTGGAGGAGACCATCGCCGT-3'